The following is an entry in ClinVar:

NM_024334.3(TMEM43):c.758C>T (p.Pro253Leu)

Gene: TMEM43 (transmembrane protein 43; plus strand). Cytogenetic location: 3p25.1.
Variant type: single nucleotide variant.
Coding change: c.758C>T on transcript NM_024334.3 (MANE Select); coding-DNA position 758, C replaced by T.
Protein change: p.Pro253Leu; replaces proline 253 with leucine.
Molecular consequence: missense variant. On other transcripts: intron variant (1).
Genome position (GRCh38, 1-based): chr3:14,135,210, C>T. VCF-style: chr3-14135210-C-T. GRCh37 (hg19) VCF-style: chr3-14176710-C-T.
Other names: c.761C>T, p.Pro254Leu (NM_001407274.1); c.758C>T, p.Pro253Leu (NM_001407275.1, NM_001407276.1, NM_001407277.1); c.743C>T, p.Pro248Leu (NM_001407278.1); c.608C>T, p.Pro203Leu (NM_001407280.1); c.705+319C>T (NM_001407279.1); short protein forms P203L, P248L, P253L, P254L.
Identifiers: ClinVar variation 4757884 (VCV004757884.1).

ClinVar aggregate classification (germline): Uncertain significance (1 of 4 stars; one submission).

Conditions:
Cardiomyopathy (CMYO). Also called: Cardiomyopathies. Identifiers: Orphanet 167848, MedGen C0878544, MONDO:0004994, HP:0001638. Inheritance: Various modes of inheritance.

gnomAD v4.1: 2 of 1,612,576 alleles (0.00012%); highest among the groups gnomAD compares: Non-Finnish European, 0.00017%; no homozygotes.

Submission:

Color Diagnostics, LLC DBA Color Health
Classification: Uncertain significance for Cardiomyopathy. Last evaluated: 2025-08-25. Review status: criteria provided, single submitter. Criteria: ACMG Guidelines, 2015. Collection method: clinical testing. Allele origin: germline.
Comment: This missense variant replaces proline with leucine at codon 253 of the TMEM43 protein. Computational prediction suggests that this variant may not impact protein structure and function. To our knowledge, functional studies have not been reported for this variant. This variant has not been reported in individuals affected with TMEM43-related disorders in the literature. This variant has been identified in 1/249770 chromosomes in the general population by the Genome Aggregation Database (gnomAD). The available evidence is insufficient to determine the role of this variant in disease conclusively. Therefore, this variant is classified as a Variant of Uncertain Significance.